The following is an entry in ClinVar:

ClinVar aggregate classification (germline): Likely benign (1 of 4 stars; one submission).

Conditions:
Malignant hyperthermia, susceptibility to, 1 (MHS1). Also called: RYR1-Related Malignant Hyperthermia Susceptibility; Anesthesia related hyperthermia; Malignant hyperpyrexia; Fulminating hyperpyrexia; Pharmacogenic myopathy; Malignant hyperthermia suceptibility 1. Identifiers: Orphanet 423, MedGen C2930980, MONDO:0007783, OMIM 145600.

Allele frequency attached by ClinVar (database versions not stated): gnomAD 0.00001.
gnomAD v4.1: 6 of 1,609,300 alleles (0.00037%); highest among the groups gnomAD compares: Admixed American, 0.0017%; no homozygotes.

Submission:

All of Us Research Program, National Institutes of Health
Classification: Likely benign for Malignant hyperthermia, susceptibility to, 1. Last evaluated: 2023-03-23. Review status: criteria provided, single submitter. Criteria: ACMG Guidelines, 2015. Collection method: clinical testing. Allele origin: germline. Inheritance: Autosomal dominant inheritance. Observed: 1 variant allele, 1 heterozygote.
Comment: This study involves interpretation of variants in research participants for the purpose of population health screening. Participant phenotype was not available at the time of variant classification. Additional details can be found in publication PMID: 35346344, PMCID: PMC8962531

NM_000540.3(RYR1):c.7641G>A (p.Ala2547=)

Gene: RYR1 (ryanodine receptor 1; plus strand). Cytogenetic location: 19q13.2.
Variant type: single nucleotide variant.
Coding change: c.7641G>A on transcript NM_000540.3 (MANE Select); coding-DNA position 7641, G replaced by A.
Protein change: p.Ala2547=; no amino-acid change (alanine 2547 retained).
Molecular consequence: synonymous variant.
Genome position (GRCh38, 1-based): chr19:38,502,533, G>A. VCF-style: chr19-38502533-G-A. GRCh37 (hg19) VCF-style: chr19-38993173-G-A.
Other names: c.7641G>A, p.Ala2547= (NM_001042723.2).
Identifiers: ClinVar variation 3069917 (VCV003069917.1), dbSNP rs1970173742, ClinGen allele CA507243703.